The following is an entry in ClinVar:

ClinVar aggregate classification (germline): Likely benign (1 of 4 stars; one submission).

Allele frequency attached by ClinVar (database versions not stated): gnomAD exomes 0.00022 and 0.00007; ExAC 0.00003; gnomAD 0.00005 and 0.00006; TOPMed 0.00007; ESP Exome Variant Server 0.00008.

Submission:

GeneDx
Classification: Likely benign. Last evaluated: 2017-07-25. Review status: criteria provided, single submitter. Criteria: GeneDx Variant Classification (06012015). Collection method: clinical testing. Allele origin: germline. Affected: yes.
Comment: This variant is considered likely benign or benign based on one or more of the following criteria: it is a conservative change, it occurs at a poorly conserved position in the protein, it is predicted to be benign by multiple in silico algorithms, and/or has population frequency not consistent with disease.

NM_014402.5(UQCRQ):c.-13-18C>T

Genes: UQCRQ (ubiquinol-cytochrome c reductase complex III subunit VII; plus strand), LOC126807509 (BRD4-independent group 4 enhancer GRCh37_chr5:132201613-132202812; plus strand). Cytogenetic location: 5q31.1.
Variant type: single nucleotide variant.
Coding change: c.-13-18C>T on transcript NM_014402.5 (MANE Select); 18 bases into the intron before 13 bases upstream of the start codon, C replaced by T.
Molecular consequence: intron variant.
Genome position (GRCh38, 1-based): chr5:132,866,851, C>T. VCF-style: chr5-132866851-C-T. GRCh37 (hg19) VCF-style: chr5-132202543-C-T.
Identifiers: ClinVar variation 510745 (VCV000510745.1), dbSNP rs368257034, ClinGen allele CA3408413.
Genomic context (GRCh38, chr5:132,866,851, plus strand): 5'-GGTTGGGGATGGACCCCCGCGGGGACTGCGGCGCTTCGCGAAAGCGAGCCAAGCGCCTGT[C>T]CACCCTCGGTCCTGCAGGGCCGCCGCCACAATGGGCCGCGAGTTTGGGAATCTGACGCGG-3'